The following is an entry in ClinVar:

NM_000313.4(PROS1):c.1889C>T (p.Thr630Ile)

Gene: PROS1 (protein S; minus strand). Cytogenetic location: 3q11.1.
Variant type: single nucleotide variant.
Coding change: c.1889C>T on transcript NM_000313.4 (MANE Select); coding-DNA position 1889, C replaced by T.
Protein change: p.Thr630Ile; replaces threonine 630 with isoleucine.
Molecular consequence: missense variant.
Genome position (GRCh38, 1-based): chr3:93,874,387, G>A on the plus strand (C>T on the coding strand, the complement: PROS1 is on the minus strand). VCF-style: chr3-93874387-G-A. GRCh37 (hg19) VCF-style: chr3-93593231-G-A.
Other names: c.1985C>T, p.Thr662Ile (NM_001314077.2); short protein forms T630I, T662I.
Identifiers: ClinVar variation 899589 (VCV000899589.4), dbSNP rs202190731, ClinGen allele CA2503072.

ClinVar aggregate classification (germline): Uncertain significance (1 of 4 stars; one submission).

Conditions:
Thrombophilia due to protein S deficiency, autosomal dominant (THPH5). Identifiers: Orphanet 26349, Orphanet 743, MedGen C3278211, MONDO:0012868, OMIM 612336. Disease mechanism: loss of function.

Allele frequency attached by ClinVar (database versions not stated): TOPMed 0.00003; gnomAD 0.00006 and 0.00011; gnomAD exomes 0.00018; ExAC 0.00022; 1000 Genomes Project 30x 0.00062; 1000 Genomes Project 0.00080.
gnomAD v4.1: 222 of 1,613,360 alleles (0.014%); highest among the groups gnomAD compares: East Asian, 0.24%; no homozygotes.

Submission:

Illumina Laboratory Services, Illumina
Classification: Uncertain significance for Thrombophilia due to protein S deficiency, autosomal dominant. Last evaluated: 2017-04-27. Review status: criteria provided, single submitter. Criteria: ICSL Variant Classification Criteria 13 December 2019. Collection method: clinical testing. Allele origin: germline.
Comment: This variant was observed as part of a predisposition screen in an ostensibly healthy population. A literature search was performed for the gene, cDNA change, and amino acid change (where applicable). Publications were found based on this search. However, the evidence from the literature, in combination with allele frequency data from public databases where available, was not sufficient to rule this variant in or out of causing disease. Therefore, this variant is classified as a variant of unknown significance.

Literature cited by the submitters: PubMed 21811774.